The following is an entry in ClinVar:

NM_001003841.3(SLC6A19):c.1028C>T (p.Thr343Ile)

Gene: SLC6A19 (solute carrier family 6 member 19; plus strand). Cytogenetic location: 5p15.33.
Variant type: single nucleotide variant.
Coding change: c.1028C>T on transcript NM_001003841.3 (MANE Select); coding-DNA position 1028, C replaced by T.
Protein change: p.Thr343Ile; replaces threonine 343 with isoleucine.
Molecular consequence: missense variant.
Genome position (GRCh38, 1-based): chr5:1,216,800, C>T. VCF-style: chr5-1216800-C-T. GRCh37 (hg19) VCF-style: chr5-1216915-C-T.
Other names: short protein forms T343I.
Identifiers: ClinVar variation 1970565 (VCV001970565.4), dbSNP rs201511165, ClinGen allele CA3183017.

ClinVar aggregate classification (germline): Uncertain significance (1 of 4 stars; one submission).

Allele frequency attached by ClinVar (database versions not stated): ExAC 0.00001; gnomAD 0.00001; TOPMed 0.00001; 1000 Genomes Project 30x 0.00016; 1000 Genomes Project 0.00020.
gnomAD v4.1: 21 of 1,613,790 alleles (0.0013%); highest among the groups gnomAD compares: Non-Finnish European, 0.0018%; no homozygotes.

Submission:

Labcorp Genetics (formerly Invitae), Labcorp
Classification: Uncertain significance. Last evaluated: 2022-10-25. Review status: criteria provided, single submitter. Criteria: Invitae Variant Classification Sherloc (09022015). Collection method: clinical testing. Allele origin: germline.
Comment: This sequence change replaces threonine, which is neutral and polar, with isoleucine, which is neutral and non-polar, at codon 343 of the SLC6A19 protein (p.Thr343Ile). This variant is present in population databases (rs201511165, gnomAD 0.0009%). This variant has not been reported in the literature in individuals affected with SLC6A19-related conditions. Algorithms developed to predict the effect of missense changes on protein structure and function are either unavailable or do not agree on the potential impact of this missense change (SIFT: "Deleterious"; PolyPhen-2: "Benign"; Align-GVGD: "Class C0"). In summary, the available evidence is currently insufficient to determine the role of this variant in disease. Therefore, it has been classified as a Variant of Uncertain Significance.